The following is an entry in ClinVar:

ClinVar aggregate classification (germline): Pathogenic (1 of 4 stars; one submission).

Conditions:
Familial cancer of breast. Also called: Hereditary breast cancer; BREAST CANCER, FAMILIAL; hereditary breast carcinoma. Identifiers: Orphanet 227535, MedGen C0346153, MONDO:0016419, OMIM 114480. Disease mechanism: loss of function.

Submission:

Myriad Genetics, Inc.
Classification: Pathogenic for Familial cancer of breast. Last evaluated: 2023-06-02. Review status: criteria provided, single submitter. Criteria: Myriad Autosomal Dominant, Autosomal Recessive and X-Linked Classification Criteria (2023). Collection method: clinical testing. Allele origin: unknown.
Comment: This variant is considered pathogenic. This variant creates a frameshift predicted to result in premature protein truncation.

NM_032043.3(BRIP1):c.1582_1584delinsG (p.Lys528fs)

Gene: BRIP1 (BRCA1 interacting DNA helicase 1; minus strand). Cytogenetic location: 17q23.2.
Variant type: Indel.
Coding change: c.1582_1584delinsG on transcript NM_032043.3 (MANE Select); coding-DNA positions 1582 to 1584, AAA replaced by G.
Protein change: p.Lys528fs; shifts the reading frame from lysine 528.
Molecular consequence: frameshift variant.
Genome position (GRCh38, 1-based): chr17:61,784,314-61,784,316, TTT replaced by C on the plus strand (AAA replaced by G on the coding strand, the reverse complement: BRIP1 is on the minus strand). VCF-style: chr17-61784314-TTT-C. GRCh37 (hg19) VCF-style: chr17-59861675-TTT-C.
Other names: short protein forms K528fs.
Identifiers: ClinVar variation 2583615 (VCV002583615.2), dbSNP rs2545052746, ClinGen allele CA2582342289.